The following is an entry in ClinVar:

ClinVar aggregate classification (germline): Benign/Likely benign. Review status: criteria provided, multiple submitters, no conflicts (2 of 4 stars). 3 submissions from 3 submitters: Benign (1); Likely benign (2). Last evaluated 2025-11-04.

Conditions:
Hereditary cancer-predisposing syndrome. Also called: Hereditary Cancer Syndrome; Tumor predisposition; Hereditary neoplastic syndrome; Neoplastic Syndromes, Hereditary. Identifiers: Orphanet 140162, MedGen C0027672, MeSH D009386, MONDO:0015356.
Familial adenomatous polyposis 1 (FAP1). Also called: FAMILIAL ADENOMATOUS POLYPOSIS 1, ATTENUATED; POLYPOSIS, ADENOMATOUS INTESTINAL. Identifiers: MedGen C2713442, MONDO:0021056, OMIM 175100. Disease mechanism: loss of function.

Submissions (3):

Ambry Genetics
Classification: Likely benign for Hereditary cancer-predisposing syndrome. Last evaluated: 2025-11-04. Review status: criteria provided, single submitter. Criteria: Ambry Variant Classification Scheme 2023. Collection method: clinical testing. Allele origin: germline.

Color Diagnostics, LLC DBA Color Health
Classification: Likely benign for Hereditary cancer-predisposing syndrome. Last evaluated: 2025-07-25. Review status: criteria provided, single submitter. Criteria: ACMG Guidelines, 2015. Collection method: clinical testing. Allele origin: germline.

Myriad Genetics, Inc.
Classification: Benign for Familial adenomatous polyposis 1. Last evaluated: 2024-04-11. Review status: criteria provided, single submitter. Criteria: Myriad Autosomal Dominant, Autosomal Recessive and X-Linked Classification Criteria (2023). Collection method: clinical testing. Allele origin: unknown.
Comment: This variant is considered benign. This variant is a silent/synonymous amino acid change and it is not expected to impact splicing.

NM_000038.6(APC):c.7881T>A (p.Ser2627=)

Gene: APC (APC regulator of Wnt signaling pathway; plus strand). Cytogenetic location: 5q22.2.
Variant type: single nucleotide variant.
Coding change: c.7881T>A on transcript NM_000038.6 (MANE Select); coding-DNA position 7881, T replaced by A.
Protein change: p.Ser2627=; no amino-acid change (serine 2627 retained).
Molecular consequence: synonymous variant. On other transcripts: non-coding transcript variant (2).
Genome position (GRCh38, 1-based): chr5:112,843,475, T>A. VCF-style: chr5-112843475-T-A. GRCh37 (hg19) VCF-style: chr5-112179172-T-A.
Other names: c.7881T>A, p.Ser2627= (NM_001127510.3, NM_001354895.2, NM_001407450.1); c.7827T>A, p.Ser2609= (NM_001127511.3); c.7935T>A, p.Ser2645= (NM_001354896.2, NM_001407447.1, NM_001407448.1 and 1 more transcripts); c.7911T>A, p.Ser2637= (NM_001354897.2); c.7806T>A, p.Ser2602= (NM_001354898.2); c.7797T>A, p.Ser2599= (NM_001354899.2); c.7758T>A, p.Ser2586= (NM_001354900.2); c.7704T>A, p.Ser2568= (NM_001354901.2, NM_001407453.1); and 12 more.
Identifiers: ClinVar variation 3254243 (VCV003254243.3), dbSNP rs2149995423.